The following is an entry in ClinVar:

ClinVar aggregate classification (germline): Conflicting classifications of pathogenicity. Review status: criteria provided, conflicting classifications (1 of 4 stars). 4 submissions from 4 submitters: Uncertain significance (3); Likely benign (1). Last evaluated 2025-09-09.

Conditions:
Inborn genetic diseases. Identifiers: MedGen C0950123, MeSH D030342.
Autosomal recessive osteopetrosis 1. Also called: ALBERS-SCHONBERG DISEASE, AUTOSOMAL RECESSIVE; TCIRG1-Related Osteopetrosis; TCIRG1-Related Autosomal Recessive Osteopetrosis. Identifiers: Orphanet 667, MedGen C1850127, MONDO:0009815, OMIM 259700.

Allele frequency attached by ClinVar (database versions not stated): gnomAD 0.00001 and 0.00002; gnomAD exomes 0.00002.
gnomAD v4.1: 31 of 1,575,788 alleles (0.002%); highest among the groups gnomAD compares: East Asian, 0.0046%; no homozygotes.

Submissions (4):

Labcorp Genetics (formerly Invitae), Labcorp
Classification: Uncertain significance. Last evaluated: 2025-09-09. Review status: criteria provided, single submitter. Criteria: Invitae Variant Classification Sherloc (09022015). Collection method: clinical testing. Allele origin: germline.
Comment: This sequence change replaces arginine, which is basic and polar, with histidine, which is basic and polar, at codon 662 of the TCIRG1 protein (p.Arg662His). The frequency data for this variant in the population databases is considered unreliable, as metrics indicate poor data quality at this position in the gnomAD database. This variant has not been reported in the literature in individuals affected with TCIRG1-related conditions. ClinVar contains an entry for this variant (Variation ID: 882249). Invitae Evidence Modeling of protein sequence and biophysical properties (such as structural, functional, and spatial information, amino acid conservation, physicochemical variation, residue mobility, and thermodynamic stability) indicates that this missense variant is not expected to disrupt TCIRG1 protein function with a negative predictive value of 80%. In summary, the available evidence is currently insufficient to determine the role of this variant in disease. Therefore, it has been classified as a Variant of Uncertain Significance.

Ambry Genetics
Classification: Likely benign for Inborn genetic diseases. Last evaluated: 2024-06-02. Review status: criteria provided, single submitter. Criteria: Ambry Variant Classification Scheme 2023. Collection method: clinical testing. Allele origin: germline.

Fulgent Genetics
Classification: Uncertain significance for Autosomal recessive osteopetrosis 1. Last evaluated: 2021-10-11. Review status: criteria provided, single submitter. Criteria: ACMG Guidelines, 2015. Collection method: clinical testing. Allele origin: unknown.

Illumina Laboratory Services, Illumina
Classification: Uncertain significance for Autosomal recessive osteopetrosis 1. Last evaluated: 2018-01-13. Review status: criteria provided, single submitter. Criteria: ICSL Variant Classification Criteria 13 December 2019. Collection method: clinical testing. Allele origin: germline.

NM_006019.4(TCIRG1):c.1985G>A (p.Arg662His)

Gene: TCIRG1 (T cell immune regulator 1, ATPase H+ transporting V0 subunit a3; plus strand). Cytogenetic location: 11q13.2.
Variant type: single nucleotide variant.
Coding change: c.1985G>A on transcript NM_006019.4 (MANE Select); coding-DNA position 1985, G replaced by A.
Protein change: p.Arg662His; replaces arginine 662 with histidine.
Molecular consequence: missense variant.
Genome position (GRCh38, 1-based): chr11:68,049,760, G>A. VCF-style: chr11-68049760-G-A. GRCh37 (hg19) VCF-style: chr11-67817227-G-A.
Other names: c.1091G>A, p.Arg364His (NM_001351059.2); c.1337G>A, p.Arg446His (NM_006053.4); short protein forms R662H, R364H, R446H.
Identifiers: ClinVar variation 882249 (VCV000882249.8), dbSNP rs763065648, ClinGen allele CA6147339.